The following is an entry in ClinVar:

NM_001374736.1(DST):c.10942-6T>C

Gene: DST (dystonin; minus strand). Cytogenetic location: 6p12.1.
Variant type: single nucleotide variant.
Coding change: c.10942-6T>C on transcript NM_001374736.1 (MANE Select); 6 bases into the intron before coding-DNA position 10942, T replaced by C.
Molecular consequence: intron variant.
Genome position (GRCh38, 1-based): chr6:56,603,426, A>G on the plus strand (T>C on the coding strand, the complement: DST is on the minus strand). VCF-style: chr6-56603426-A-G. GRCh37 (hg19) VCF-style: chr6-56468224-A-G.
Other names: c.5185-3205T>C (NM_001144769.5); c.10942-6T>C (NM_001374722.1); c.10969-6T>C (NM_001374734.1); c.4771-3205T>C (NM_001144770.2); c.4651-3205T>C (NM_001374730.1, NM_001386100.1, NM_183380.4); c.10309-6T>C (NM_001374729.1); c.3673-3205T>C (NM_015548.5).
Identifiers: ClinVar variation 4892457 (VCV004892457.2).

ClinVar aggregate classification (germline): Likely benign. Review status: criteria provided, multiple submitters, no conflicts (2 of 4 stars). 2 submissions from 2 submitters: Likely benign (2). Last evaluated 2026-07-01.

gnomAD v4.1: 720 of 1,609,298 alleles (0.045%); highest among the groups gnomAD compares: South Asian, 0.67%; 10 homozygotes.

Submissions (2):

CeGaT Center for Human Genetics Tuebingen
Classification: Likely benign. Last evaluated: 2026-07-01. Review status: criteria provided, single submitter. Criteria: CeGaT Center For Human Genetics Tuebingen Variant Classification Criteria Version 2. Collection method: clinical testing. Allele origin: germline. Affected: yes. Observed: 1 variant allele.
Comment: DST: BP4

Blueprint Genetics
Classification: Likely benign. Last evaluated: 2023-02-27. Review status: criteria provided, single submitter. Criteria: ACMG Guidelines, 2015. Collection method: clinical testing. Allele origin: germline.